The following is an entry in ClinVar:

NM_017570.5(OPLAH):c.3518G>T (p.Arg1173Leu)

Gene: OPLAH (5-oxoprolinase, ATP-hydrolysing; minus strand). Cytogenetic location: 8q24.3.
Variant type: single nucleotide variant.
Coding change: c.3518G>T on transcript NM_017570.5 (MANE Select); coding-DNA position 3518, G replaced by T.
Protein change: p.Arg1173Leu; replaces arginine 1173 with leucine.
Molecular consequence: missense variant.
Genome position (GRCh38, 1-based): chr8:144,052,020, C>A on the plus strand (G>T on the coding strand, the complement: OPLAH is on the minus strand). VCF-style: chr8-144052020-C-A. GRCh37 (hg19) VCF-style: chr8-145106921-C-A.
Other names: short protein forms R1173L.
Identifiers: ClinVar variation 1366173 (VCV001366173.6), dbSNP rs782094303, ClinGen allele CA4931120.

ClinVar aggregate classification (germline): Uncertain significance (1 of 4 stars; one submission).

Conditions:
5-Oxoprolinase deficiency (OPLAHD). Also called: 5-OXOPROLINURIA DUE TO 5-OXOPROLINASE DEFICIENCY. Identifiers: Orphanet 33572, MedGen C0268525, MONDO:0009825, OMIM 260005, HP:0040142.

Allele frequency attached by ClinVar (database versions not stated): gnomAD 0.00001.
gnomAD v4.1: 8 of 1,589,560 alleles (0.0005%); highest among the groups gnomAD compares: East Asian, 0.0023%; no homozygotes.

Submission:

Labcorp Genetics (formerly Invitae), Labcorp
Classification: Uncertain significance for 5-Oxoprolinase deficiency. Last evaluated: 2021-02-10. Review status: criteria provided, single submitter. Criteria: Invitae Variant Classification Sherloc (09022015). Collection method: clinical testing. Allele origin: germline.
Comment: In summary, the available evidence is currently insufficient to determine the role of this variant in disease. Therefore, it has been classified as a Variant of Uncertain Significance. Experimental studies and prediction algorithms are not available or were not evaluated, and the functional significance of this variant is currently unknown. This variant has not been reported in the literature in individuals with OPLAH-related conditions. This variant is present in population databases (rs782094303, ExAC 0.03%). This sequence change replaces arginine with leucine at codon 1173 of the OPLAH protein (p.Arg1173Leu). The arginine residue is weakly conserved and there is a moderate physicochemical difference between arginine and leucine.